The following is an entry in ClinVar:

ClinVar aggregate classification (germline): Pathogenic (1 of 4 stars; one submission).

Conditions:
Primary ciliary dyskinesia. Also called: Ciliary dyskinesia. Identifiers: Orphanet 244, MedGen C0008780, MONDO:0016575, HP:0012265.

Submission:

Labcorp Genetics (formerly Invitae), Labcorp
Classification: Pathogenic for Primary ciliary dyskinesia. Last evaluated: 2020-12-29. Review status: criteria provided, single submitter. Criteria: Invitae Variant Classification Sherloc (09022015). Collection method: clinical testing. Allele origin: germline.
Comment: A gross deletion of the genomic region encompassing the full coding sequence of the RSPH1 gene has been identified. The boundaries of this event are unknown as the deletion extends beyond the assayed region for this gene and therefore may encompass additional genes. This variant has not been reported in the literature in individuals with RSPH1-related disease. Loss-of-function variants in RSPH1 are known to be pathogenic (PMID: 23993197). For these reasons, this variant has been classified as Pathogenic.

Literature cited by the submitters: PubMed 23993197.

NC_000021.8:g.(?_43892928)_(43916296_?)del

Gene: RSPH1 (radial spoke head component 1; minus strand). Cytogenetic location: 21q22.3.
Variant type: Deletion.
Identifiers: ClinVar variation 1458564 (VCV001458564.11).